The following is an entry in ClinVar:

NM_006648.4(WNK2):c.4591C>G (p.Leu1531Val)

Gene: WNK2 (WNK lysine deficient protein kinase 2; plus strand). Cytogenetic location: 9q22.31.
Variant type: single nucleotide variant.
Coding change: c.4591C>G on transcript NM_006648.4 (MANE Select); coding-DNA position 4591, C replaced by G.
Protein change: p.Leu1531Val; replaces leucine 1531 with valine.
Molecular consequence: missense variant.
Genome position (GRCh38, 1-based): chr9:93,289,345, C>G. VCF-style: chr9-93289345-C-G. GRCh37 (hg19) VCF-style: chr9-96051627-C-G.
Other names: c.4702C>G, p.Leu1568Val (NM_001282394.3); short protein forms L1531V, L1568V.
Identifiers: ClinVar variation 3470532 (VCV003470532.1).

ClinVar aggregate classification (germline): Uncertain significance (1 of 4 stars; one submission).

gnomAD v4.1: 1 of 1,609,002 alleles (0.000062%); highest among the groups gnomAD compares: Non-Finnish European, 0.000085%; no homozygotes.

Submission:

Ambry Genetics
Classification: Uncertain significance. Last evaluated: 2024-11-30. Review status: criteria provided, single submitter. Criteria: Ambry Variant Classification Scheme 2023. Collection method: clinical testing. Allele origin: germline.
Comment: The p.L1531V variant (also known as c.4591C>G), located in coding exon 19 of the WNK2 gene, results from a C to G substitution at nucleotide position 4591. The leucine at codon 1531 is replaced by valine, an amino acid with highly similar properties. This amino acid position is conserved. In addition, this alteration is predicted to be tolerated by in silico analysis. Based on the available evidence, the clinical significance of this variant remains unclear.